The following is an entry in ClinVar:

NM_005565.5(LCP2):c.569C>G (p.Pro190Arg)

Gene: LCP2 (lymphocyte cytosolic protein 2; minus strand). Cytogenetic location: 5q35.1.
Variant type: single nucleotide variant.
Coding change: c.569C>G on transcript NM_005565.5 (MANE Select); coding-DNA position 569, C replaced by G.
Protein change: p.Pro190Arg; replaces proline 190 with arginine.
Molecular consequence: missense variant.
Genome position (GRCh38, 1-based): chr5:170,268,437, G>C on the plus strand (C>G on the coding strand, the complement: LCP2 is on the minus strand). VCF-style: chr5-170268437-G-C. GRCh37 (hg19) VCF-style: chr5-169695441-G-C.
Other names: short protein forms P190R.
Identifiers: ClinVar variation 1333347 (VCV001333347.1), dbSNP rs779018199, ClinGen allele CA3555676.

ClinVar aggregate classification (germline): Uncertain significance (1 of 4 stars; one submission).

Conditions:
Immunodeficiency 81. Identifiers: MedGen C5543540, MONDO:0030302, OMIM 619374.

Submission:

3billion
Classification: Uncertain significance for Immunodeficiency 81. Last evaluated: 2022-01-03. Review status: criteria provided, single submitter. Criteria: ACMG Guidelines, 2015. Collection method: clinical testing. Allele origin: germline. Affected: yes. Observed: 1 heterozygote.
Comment: The variant observed at an extremely low frequency in the gnomAD v2.1.1 dataset (total allele frequency: 0.000064, PM2_M). Therefore, this variant is classified as uncertain significance according to the recommendation of ACMG/AMP guideline.